The following is an entry in ClinVar:

NM_014423.4(AFF4):c.745A>G (p.Met249Val)

Gene: AFF4 (ALF transcription elongation factor 4; minus strand). Cytogenetic location: 5q31.1.
Variant type: single nucleotide variant.
Coding change: c.745A>G on transcript NM_014423.4 (MANE Select); coding-DNA position 745, A replaced by G.
Protein change: p.Met249Val; replaces methionine 249 with valine.
Molecular consequence: missense variant.
Genome position (GRCh38, 1-based): chr5:132,934,320, T>C on the plus strand (A>G on the coding strand, the complement: AFF4 is on the minus strand). VCF-style: chr5-132934320-T-C. GRCh37 (hg19) VCF-style: chr5-132270012-T-C.
Other names: short protein forms M249V.
Identifiers: ClinVar variation 4740134 (VCV004740134.1).

ClinVar aggregate classification (germline): Uncertain significance (1 of 4 stars; one submission).

Conditions:
Cognitive impairment - coarse facies - heart defects - obesity - pulmonary involvement - short stature - skeletal dysplasia syndrome. Also called: COGNITIVE IMPAIRMENT, COARSE FACIES, HEART DEFECTS, OBESITY, PULMONARY INVOLVEMENT, SHORT STATURE, AND SKELETAL DYSPLASIA; Chops syndrome; AFF4-Related CHOPS Syndrome. Identifiers: Orphanet 444077, MedGen C4085597, MONDO:0014609, OMIM 616368.

gnomAD v4.1: 22 of 1,614,134 alleles (0.0014%); highest among the groups gnomAD compares: Non-Finnish European, 0.0017%; no homozygotes.

Submission:

Labcorp Genetics (formerly Invitae), Labcorp
Classification: Uncertain significance for Cognitive impairment - coarse facies - heart defects - obesity - pulmonary involvement - short stature - skeletal dysplasia syndrome. Last evaluated: 2025-06-20. Review status: criteria provided, single submitter. Criteria: Invitae Variant Classification Sherloc (09022015). Collection method: clinical testing. Allele origin: germline.
Comment: This sequence change replaces methionine, which is neutral and non-polar, with valine, which is neutral and non-polar, at codon 249 of the AFF4 protein (p.Met249Val). This variant is present in population databases (rs200807688, gnomAD 0.007%). This variant has not been reported in the literature in individuals affected with AFF4-related conditions. Invitae Evidence Modeling of protein sequence and biophysical properties (such as structural, functional, and spatial information, amino acid conservation, physicochemical variation, residue mobility, and thermodynamic stability) indicates that this missense variant is not expected to disrupt AFF4 protein function with a negative predictive value of 80%. In summary, the available evidence is currently insufficient to determine the role of this variant in disease. Therefore, it has been classified as a Variant of Uncertain Significance.